The following is an entry in ClinVar:

ClinVar aggregate classification (germline): Pathogenic. Review status: criteria provided, multiple submitters, no conflicts (2 of 4 stars). 3 submissions from 3 submitters: Pathogenic (3). Last evaluated 2024-05-22.

Conditions:
Hereditary spastic paraplegia 4. Also called: Spastic paraplegia 4, autosomal dominant; Spastic Paraplegia 4; Familial spastic paraplegia autosomal dominant 2. Identifiers: Orphanet 100985, MedGen C1866855, MONDO:0008438, OMIM 182601.

Submissions (3):

Athena Diagnostics
Classification: Pathogenic. Last evaluated: 2024-05-22. Review status: criteria provided, single submitter. Criteria: Athena Diagnostics Criteria. Collection method: clinical testing. Allele origin: unknown.
Comment: This variant is expected to severely impact normal RNA splicing, and consequently, protein structure and/or function. This variant has not been reported in large, multi-ethnic general populations. This variant has been identified in at least one individual with clinical features associated with this gene. Assessment of experimental evidence suggests this variant results in abnormal protein function. (PMID: 31751864)

GeneDx
Classification: Pathogenic. Last evaluated: 2021-11-15. Review status: criteria provided, single submitter. Criteria: GeneDx Variant Classification Process June 2021. Collection method: clinical testing. Allele origin: germline. Affected: yes.
Comment: Canonical splice site variant expected to result in aberrant splicing, and published functional studies via a minigene assay revealed a deletion of 56 amino acids from the start of exon 17 leading to a frameshift (Zhu et al., 2019); Not observed in large population cohorts (Lek et al., 2016); This variant is associated with the following publications: (PMID: 16240363, 17100993, 11843700, 31751864, 26094131, 21139634)

Labcorp Genetics (formerly Invitae), Labcorp
Classification: Pathogenic for Hereditary spastic paraplegia 4. Last evaluated: 2018-11-15. Review status: criteria provided, single submitter. Criteria: Invitae Variant Classification Sherloc (09022015). Collection method: clinical testing. Allele origin: germline.
Comment: For these reasons, this variant has been classified as Pathogenic. Nucleotide substitutions within the consensus splice site are a relatively common cause of aberrant splicing (PMID: 17576681, 9536098). Algorithms developed to predict the effect of sequence changes on RNA splicing suggest that this variant may disrupt the consensus splice site, but this prediction has not been confirmed by published transcriptional studies. Disruption of this splice site has been observed in several individual affected with hereditary spastic paraplegia (PMID: 11843700, 17100993, 16240363, Invitae). ClinVar contains an entry for this variant (Variation ID: 419590). This variant is not present in population databases (ExAC no frequency). This sequence change affects an acceptor splice site in the last intron (intron 16) of the SPAST gene. While this is not anticipated to result in nonsense mediated decay, it likely alters RNA splicing and results in a disrupted protein product.

Literature cited by the submitters: PubMed 31751864 (cited by Athena Diagnostics); PubMed 38403837 (cited by Athena Diagnostics); PubMed 17576681 (cited by Labcorp Genetics (formerly Invitae), Labcorp); PubMed 9536098 (cited by Labcorp Genetics (formerly Invitae), Labcorp); PubMed 11843700 (cited by Labcorp Genetics (formerly Invitae), Labcorp); PubMed 17100993 (cited by Labcorp Genetics (formerly Invitae), Labcorp); PubMed 16240363 (cited by Labcorp Genetics (formerly Invitae), Labcorp).

NM_014946.4(SPAST):c.1729-1G>A

Gene: SPAST (spastin; plus strand). Cytogenetic location: 2p22.3.
Variant type: single nucleotide variant.
Coding change: c.1729-1G>A on transcript NM_014946.4 (MANE Select); the canonical splice acceptor site of the intron before coding-DNA position 1729, G replaced by A.
Molecular consequence: splice acceptor variant.
Genome position (GRCh38, 1-based): chr2:32,154,373, G>A. VCF-style: chr2-32154373-G-A. GRCh37 (hg19) VCF-style: chr2-32379442-G-A.
Other names: c.1633-1G>A (NM_199436.2); c.*2-1G>A (NM_001377959.1); c.1726-1G>A (NM_001363823.2); c.1630-1G>A (NM_001363875.2).
Identifiers: ClinVar variation 419590 (VCV000419590.13), dbSNP rs1064793976, ClinGen allele CA16617531.